The following is an entry in ClinVar:

ClinVar aggregate classification (germline): Conflicting classifications of pathogenicity. Review status: criteria provided, conflicting classifications (1 of 4 stars). 2 submissions from 2 submitters: Uncertain significance (1); Likely benign (1). Last evaluated 2025-03-27.

Allele frequency attached by ClinVar (database versions not stated): gnomAD exomes 0.00003 and 0.00005; ExAC 0.00007; ESP Exome Variant Server 0.00016; gnomAD 0.00029 and 0.00031; TOPMed 0.00032.

Submissions (2):

Labcorp Genetics (formerly Invitae), Labcorp
Classification: Likely benign. Last evaluated: 2025-03-27. Review status: criteria provided, single submitter. Criteria: Invitae Variant Classification Sherloc (09022015). Collection method: clinical testing. Allele origin: germline.

Women's Health and Genetics/Laboratory Corporation of America, LabCorp
Classification: Uncertain significance. Last evaluated: 2023-09-07. Review status: criteria provided, single submitter. Criteria: LabCorp Variant Classification Summary - May 2015. Collection method: clinical testing. Allele origin: germline.
Comment: Variant summary: FAM175A c.1011delA (p.Ala338LeufsX12) results in a premature termination codon in exon 9 (i.e. in the last exon) that is not expected to cause nonsense mediated decay (NMD), but is predicted to cause a truncation of the encoded protein, disrupting the last 72 amino acids of the protein. Truncations downstream of this position have been reported in individuals affected with various tumors (HGMD), however, without strong evidence for causality (i.e. lack of functional studies). The variant allele was found at a frequency of 0.00029 in 150938 control chromosomes, predominantly at a frequency of 0.001 within the African or African-American subpopulation in the gnomAD database (v3.1 genomes dataset). The observed variant frequency within African or African-American control individuals in the gnomAD database is approximately 32 fold of the estimated maximal expected allele frequency for a pathogenic variant in FAM175A causing Hereditary Breast and Ovarian Cancer Syndrome phenotype (3.1e-05), strongly suggesting that the variant is a benign polymorphism found primarily in populations of African or African-American origin. In addition, the variant was also reported in 4 / 9884 women (including 3/2559 African Americans), who were older than age 70, and have never had cancer (in the FLOSSIES database). c.1011delA has been reported in the literature in patients with gastrointestinal stromal cancer and breast cancer, however without strong evidence for causality (e.g., Shi_2016, Felix_2022, Ahearn_2022). In two recent breast cancer case-control studies the variant was reported in more cases than controls (e.g., Zheng_2018, Walsh_2021, Ahearn_2022). A co-occurrence with another pathogenic variant has been reported (BRCA1 c.4357+1G>A, in an LCA internal sample), providing supporting evidence for a benign role. To our knowledge, no experimental evidence demonstrating an impact on protein function has been reported. One clinical diagnostic laboratory has submitted clinical-significance assessments for this variant to ClinVar after 2014, and classified the variant as likely benign. Based on the evidence outlined above, the variant was classified as VUS-possibly benign.

Literature cited by the submitters: PubMed 30130155 (cited by Women's Health and Genetics/Laboratory Corporation of America, LabCorp); PubMed 27974047 (cited by Women's Health and Genetics/Laboratory Corporation of America, LabCorp); PubMed 33479248 (cited by Women's Health and Genetics/Laboratory Corporation of America, LabCorp); PubMed 35353237 (cited by Women's Health and Genetics/Laboratory Corporation of America, LabCorp); PubMed 35654374 (cited by Women's Health and Genetics/Laboratory Corporation of America, LabCorp).

NM_139076.3(ABRAXAS1):c.1011del (p.Ala338fs)

Gene: ABRAXAS1 (abraxas 1, BRCA1 A complex subunit; minus strand). Cytogenetic location: 4q21.23.
Variant type: Deletion.
Coding change: c.1011del on transcript NM_139076.3 (MANE Select); coding-DNA position 1011, one base deleted (A; older notation c.1011delA).
Protein change: p.Ala338fs; shifts the reading frame from alanine 338.
Molecular consequence: frameshift variant.
Genome position (GRCh38, 1-based): chr4:83,462,688, T deleted on the plus strand (A on the coding strand, the reverse complement: ABRAXAS1 is on the minus strand). VCF-style (leftmost placement, unchanged base first): chr4-83462687-CT-C. GRCh37 (hg19) VCF-style: chr4-84383840-CT-C.
Other names: c.684del, p.Ala229fs (NM_001345962.2); c.1011del (NM_139076.2); short protein forms A229fs, A338fs.
Identifiers: ClinVar variation 496528 (VCV000496528.13), dbSNP rs764429803, ClinGen allele CA2990395.